The following is an entry in ClinVar:

NM_001270508.2(TNFAIP3):c.1498_1510del (p.Asn500fs)

Gene: TNFAIP3 (TNF alpha induced protein 3; plus strand). Cytogenetic location: 6q23.3.
Variant type: Deletion.
Coding change: c.1498_1510del on transcript NM_001270508.2 (MANE Select); coding-DNA positions 1498 to 1510, 13 bases deleted (AACGCCCGGCAAC).
Protein change: p.Asn500fs; shifts the reading frame from asparagine 500.
Molecular consequence: frameshift variant.
Genome position (GRCh38, 1-based): chr6:137,878,943-137,878,955, AACGCCCGGCAAC deleted; deleting any 13 consecutive bases within chr6:137,878,941-137,878,955 gives the same sequence; the c. name uses the placement nearest the transcript's 3' end. VCF-style (leftmost placement, unchanged base first): chr6-137878940-CACAACGCCCGGCA-C. GRCh37 (hg19) VCF-style: chr6-138200077-CACAACGCCCGGCA-C.
Other names: c.1498_1510del, p.Asn500fs (NM_001270507.2, NM_006290.4); short protein forms N500fs.
Identifiers: ClinVar variation 1348854 (VCV001348854.6), dbSNP rs2114501544, ClinGen allele CA2573140556.

ClinVar aggregate classification (germline): Uncertain significance (1 of 4 stars; one submission).

Submission:

Labcorp Genetics (formerly Invitae), Labcorp
Classification: Uncertain significance. Last evaluated: 2021-01-08. Review status: criteria provided, single submitter. Criteria: Invitae Variant Classification Sherloc (09022015). Collection method: clinical testing. Allele origin: germline.
Comment: In summary, the available evidence is currently insufficient to determine the role of this variant in disease. Therefore, it has been classified as a Variant of Uncertain Significance. Experimental studies and prediction algorithms are not available or were not evaluated, and the functional significance of this variant is currently unknown. This variant has not been reported in the literature in individuals with TNFAIP3-related conditions. This variant is not present in population databases (ExAC no frequency). This sequence change creates a premature translational stop signal (p.Asn500Phefs*193) in the TNFAIP3 gene. While this is not anticipated to result in nonsense mediated decay, it is expected to disrupt the last 291 amino acid(s) of the TNFAIP3 protein.